The following is an entry in ClinVar:

ClinVar aggregate classification (germline): Uncertain significance (1 of 4 stars; one submission).

Conditions:
Inborn genetic diseases. Identifiers: MedGen C0950123, MeSH D030342.

Submission:

Ambry Genetics
Classification: Uncertain significance for Inborn genetic diseases. Last evaluated: 2025-02-28. Review status: criteria provided, single submitter. Criteria: Ambry Variant Classification Scheme 2023. Collection method: clinical testing. Allele origin: germline.
Comment: The p.P729A variant (also known as c.2185C>G), located in coding exon 1 of the SAMD9L gene, results from a C to G substitution at nucleotide position 2185. The proline at codon 729 is replaced by alanine, an amino acid with highly similar properties. This amino acid position is conserved. In addition, this alteration is predicted to be tolerated by in silico analysis. Based on the available evidence, the clinical significance of this variant remains unclear.

NM_152703.5(SAMD9L):c.2185C>G (p.Pro729Ala)

Gene: SAMD9L (sterile alpha motif domain containing 9 like; minus strand). Cytogenetic location: 7q21.2.
Variant type: single nucleotide variant.
Coding change: c.2185C>G on transcript NM_152703.5 (MANE Select); coding-DNA position 2185, C replaced by G.
Protein change: p.Pro729Ala; replaces proline 729 with alanine.
Molecular consequence: missense variant.
Genome position (GRCh38, 1-based): chr7:93,133,787, G>C on the plus strand (C>G on the coding strand, the complement: SAMD9L is on the minus strand). VCF-style: chr7-93133787-G-C. GRCh37 (hg19) VCF-style: chr7-92763100-G-C.
Other names: c.2185C>G, p.Pro729Ala (NM_001303496.3, NM_001303497.3, NM_001303498.3 and 5 more transcripts); short protein forms P729A.
Identifiers: ClinVar variation 3792471 (VCV003792471.1).